The following is an entry in ClinVar:

ClinVar aggregate classification (germline): Uncertain significance. Review status: criteria provided, multiple submitters, no conflicts (2 of 4 stars). 3 submissions from 3 submitters: Uncertain significance (3). Last evaluated 2025-01-08.

Conditions:
Inborn genetic diseases. Identifiers: MedGen C0950123, MeSH D030342.
Progressive myoclonic epilepsy. Also called: Myoclonus epilepsy; Progressive myoclonus epilepsy; Familial progressive myoclonic epilepsy; Myoclonic Epilepsies, Progressive. Identifiers: Orphanet 308, Orphanet 98261, MedGen C0751778, MONDO:0020074.
Lafora disease. Also called: Epilepsy progressive myoclonic 2. Identifiers: Orphanet 501, MedGen C0751783, MONDO:0009697.

Allele frequency attached by ClinVar (database versions not stated): gnomAD exomes 0.00001 and 0.00002; ExAC 0.00003; gnomAD 0.00003 and 0.00004; TOPMed 0.00003; ESP Exome Variant Server 0.00008.
gnomAD v4.1: 20 of 1,613,916 alleles (0.0012%); highest among the groups gnomAD compares: African/African-American, 0.0027%; no homozygotes.

Submissions (3):

Broad Center for Mendelian Genomics, Broad Institute of MIT and Harvard
Classification: Uncertain significance for Lafora disease. Last evaluated: 2025-01-08. Review status: criteria provided, single submitter. Criteria: ACMG Guidelines, 2015. Collection method: curation. Allele origin: germline. Inheritance: Autosomal recessive inheritance.
Comment: The p.Pro211Leu variant in EPM2A has been reported in 2 individuals with Lafora disease (internal data, PMID: 30143794), and has been identified in 0.003% (2/74890) of African/African American chromosomes by the Genome Aggregation Database (gnomAD; dbSNP rs148475381). Although this variant has been seen in the general population in a heterozygous state, its frequency is low enough to be consistent with a recessive carrier frequency. This variant has also been reported in ClinVar (Variation ID: 576169) and has been interpreted as a variant of uncertain significance by Invitae and Ambry Genetics. Of the affected individuals, one was a compound heterozygote that carried a reported pathogenic variant in trans, which increases the likelihood that the p.Pro211Leu variant is pathogenic (Variant ID: 3098, PMID: 30143794). Computational prediction tools and conservation analyses suggest that this variant may impact the protein, though this information is not predictive enough to determine pathogenicity. The phenotype of an individual heterozygous for this variant is highly specific for Lafora disease based on Lafora bodies identified via biopsy consistent with disease (PMID: 30143794). In summary, while there is some suspicion for a pathogenic role, the clinical significance of the p.Pro211Leu variant is uncertain. ACMG/AMP Criteria applied: PP3, PP4, PM2_supporting, PM3_supporting (Richards 2015).

Labcorp Genetics (formerly Invitae), Labcorp
Classification: Uncertain significance for Progressive myoclonic epilepsy. Last evaluated: 2022-04-04. Review status: criteria provided, single submitter. Criteria: Invitae Variant Classification Sherloc (09022015). Collection method: clinical testing. Allele origin: germline.
Comment: This sequence change replaces proline, which is neutral and non-polar, with leucine, which is neutral and non-polar, at codon 211 of the EPM2A protein (p.Pro211Leu). This variant is present in population databases (rs148475381, gnomAD 0.007%). This variant has not been reported in the literature in individuals affected with EPM2A-related conditions. ClinVar contains an entry for this variant (Variation ID: 576169). Algorithms developed to predict the effect of missense changes on protein structure and function are either unavailable or do not agree on the potential impact of this missense change (SIFT: "Deleterious"; PolyPhen-2: "Benign"; Align-GVGD: "Class C35"). In summary, the available evidence is currently insufficient to determine the role of this variant in disease. Therefore, it has been classified as a Variant of Uncertain Significance.

Ambry Genetics
Classification: Uncertain significance for Inborn genetic diseases. Last evaluated: 2018-04-20. Review status: criteria provided, single submitter. Criteria: Ambry Variant Classification Scheme 2023. Collection method: clinical testing. Allele origin: germline.
Comment: The p.P211L variant (also known as c.632C>T), located in coding exon 3 of the EPM2A gene, results from a C to T substitution at nucleotide position 632. The proline at codon 211 is replaced by leucine, an amino acid with similar properties. This amino acid position is well conserved in available vertebrate species. In addition, the in silico prediction for this alteration is inconclusive. Since supporting evidence is limited at this time, the clinical significance of this alteration remains unclear.

NM_005670.4(EPM2A):c.632C>T (p.Pro211Leu)

Gene: EPM2A (EPM2A glucan phosphatase, laforin; minus strand). Cytogenetic location: 6q24.3.
Variant type: single nucleotide variant.
Coding change: c.632C>T on transcript NM_005670.4 (MANE Select); coding-DNA position 632, C replaced by T.
Protein change: p.Pro211Leu; replaces proline 211 with leucine.
Molecular consequence: missense variant. On other transcripts: intron variant (1).
Genome position (GRCh38, 1-based): chr6:145,635,331, G>A on the plus strand (C>T on the coding strand, the complement: EPM2A is on the minus strand). VCF-style: chr6-145635331-G-A. GRCh37 (hg19) VCF-style: chr6-145956467-G-A.
Other names: NM_005670.4(EPM2A):c.632C>T; p.Pro211Leu; c.632C>T, p.Pro211Leu (NM_001018041.2, NM_001368130.1); c.218C>T, p.Pro73Leu (NM_001360064.2, NM_001360071.2, NM_001368131.1); c.170C>T, p.Pro57Leu (NM_001368129.2, NM_001368132.1); c.477-7638C>T (NM_001360057.2); short protein forms P211L, P57L, P73L.
Identifiers: ClinVar variation 576169 (VCV000576169.11), dbSNP rs148475381, ClinGen allele CA4035132.